The following is an entry in ClinVar:

NM_004998.4(MYO1E):c.2450A>C (p.Glu817Ala)

Gene: MYO1E (myosin IE; minus strand). Cytogenetic location: 15q22.2.
Variant type: single nucleotide variant.
Coding change: c.2450A>C on transcript NM_004998.4 (MANE Select); coding-DNA position 2450, A replaced by C.
Protein change: p.Glu817Ala; replaces glutamic acid 817 with alanine.
Molecular consequence: missense variant.
Genome position (GRCh38, 1-based): chr15:59,171,927, T>G on the plus strand (A>C on the coding strand, the complement: MYO1E is on the minus strand). VCF-style: chr15-59171927-T-G. GRCh37 (hg19) VCF-style: chr15-59464126-T-G.
Other names: short protein forms E817A.
Identifiers: ClinVar variation 1060862 (VCV001060862.10), dbSNP rs757642502, ClinGen allele CA392637600.

ClinVar aggregate classification (germline): Uncertain significance. Review status: criteria provided, multiple submitters, no conflicts (2 of 4 stars). 2 submissions from 2 submitters: Uncertain significance (2). Last evaluated 2022-05-16.

Conditions:
Focal segmental glomerulosclerosis 6 (FSGS6). Identifiers: Orphanet 656, MedGen C3279905, MONDO:0013589, OMIM 614131.

gnomAD v4.1: 7 of 1,614,178 alleles (0.00043%); highest among the groups gnomAD compares: Non-Finnish European, 0.00017%; no homozygotes.

Submissions (2):

Fulgent Genetics
Classification: Uncertain significance for Focal segmental glomerulosclerosis 6. Last evaluated: 2022-05-16. Review status: criteria provided, single submitter. Criteria: ACMG Guidelines, 2015. Collection method: clinical testing. Allele origin: unknown.

Labcorp Genetics (formerly Invitae), Labcorp
Classification: Uncertain significance. Last evaluated: 2020-10-29. Review status: criteria provided, single submitter. Criteria: Invitae Variant Classification Sherloc (09022015). Collection method: clinical testing. Allele origin: germline.
Comment: This sequence change replaces glutamic acid with alanine at codon 817 of the MYO1E protein (p.Glu817Ala). The glutamic acid residue is moderately conserved and there is a moderate physicochemical difference between glutamic acid and alanine. In summary, the available evidence is currently insufficient to determine the role of this variant in disease. Therefore, it has been classified as a Variant of Uncertain Significance. Algorithms developed to predict the effect of missense changes on protein structure and function are either unavailable or do not agree on the potential impact of this missense change (SIFT: "Tolerated"; PolyPhen-2: "Possibly Damaging"; Align-GVGD: "Class C0"). This variant has not been reported in the literature in individuals with MYO1E-related conditions. This variant is not present in population databases (ExAC no frequency).